The following is an entry in ClinVar:

ClinVar aggregate classification (germline): Uncertain significance (1 of 4 stars; one submission).

Conditions:
Juvenile polyposis syndrome (JPS). Identifiers: Orphanet 2929, MedGen C0345893, MONDO:0017380, OMIM 174900.

Submission:

Labcorp Genetics (formerly Invitae), Labcorp
Classification: Uncertain significance for Juvenile polyposis syndrome. Last evaluated: 2024-11-10. Review status: criteria provided, single submitter. Criteria: Invitae Variant Classification Sherloc (09022015). Collection method: clinical testing. Allele origin: germline.
Comment: This sequence change replaces glutamic acid, which is acidic and polar, with aspartic acid, which is acidic and polar, at codon 247 of the BMPR1A protein (p.Glu247Asp). This variant is not present in population databases (gnomAD no frequency). This variant has not been reported in the literature in individuals affected with BMPR1A-related conditions. ClinVar contains an entry for this variant (Variation ID: 1017931). Invitae Evidence Modeling of protein sequence and biophysical properties (such as structural, functional, and spatial information, amino acid conservation, physicochemical variation, residue mobility, and thermodynamic stability) indicates that this missense variant is not expected to disrupt BMPR1A protein function with a negative predictive value of 80%. In summary, the available evidence is currently insufficient to determine the role of this variant in disease. Therefore, it has been classified as a Variant of Uncertain Significance.

NM_004329.3(BMPR1A):c.741A>C (p.Glu247Asp)

Gene: BMPR1A (bone morphogenetic protein receptor type 1A; plus strand). Cytogenetic location: 10q23.2.
Variant type: single nucleotide variant.
Coding change: c.741A>C on transcript NM_004329.3 (MANE Select); coding-DNA position 741, A replaced by C.
Protein change: p.Glu247Asp; replaces glutamic acid 247 with aspartic acid.
Molecular consequence: missense variant.
Genome position (GRCh38, 1-based): chr10:86,917,199, A>C. VCF-style: chr10-86917199-A-C. GRCh37 (hg19) VCF-style: chr10-88676956-A-C.
Other names: short protein forms E247D.
Identifiers: ClinVar variation 1017931 (VCV001017931.9), dbSNP rs1843584257, ClinGen allele CA377457438.